The following is an entry in ClinVar:

NM_020975.6(RET):c.1294G>T (p.Ala432Ser)

Gene: RET (ret proto-oncogene; plus strand). Cytogenetic location: 10q11.21.
Variant type: single nucleotide variant.
Coding change: c.1294G>T on transcript NM_020975.6 (MANE Select); coding-DNA position 1294, G replaced by T.
Protein change: p.Ala432Ser; replaces alanine 432 with serine.
Molecular consequence: missense variant. On other transcripts: intron variant (15).
Genome position (GRCh38, 1-based): chr10:43,111,237, G>T. VCF-style: chr10-43111237-G-T. GRCh37 (hg19) VCF-style: chr10-43606685-G-T.
Other names: c.1294G>T, p.Ala432Ser (NM_000323.2, NM_001406743.1, NM_001406744.1 and 6 more transcripts); c.532G>T, p.Ala178Ser (NM_001355216.2); c.1165G>T, p.Ala389Ser (NM_001406761.1, NM_001406762.1, NM_001406764.1 and 1 more transcripts); c.1006G>T, p.Ala336Ser (NM_001406766.1, NM_001406767.1, NM_001406770.1); c.898G>T, p.Ala300Ser (NM_001406769.1, NM_001406772.1); c.856G>T, p.Ala286Ser (NM_001406771.1, NM_001406773.1); c.769G>T, p.Ala257Ser (NM_001406774.1); c.568G>T, p.Ala190Ser (NM_001406775.1, NM_001406776.1, NM_001406777.1 and 1 more transcripts); and 5 more; short protein forms A178S, A190S, A336S, A257S, A286S, A300S, A389S, A432S.
Identifiers: ClinVar variation 2702162 (VCV002702162.4), dbSNP rs780630024, ClinGen allele CA032916.
Genomic context (GRCh38, chr10:43,111,237, plus strand): 5'-TGGCTAAGGTGTTCCCCTGTGCCCCCCTAGATCGGGAAAGTCTGTGTGGAAAACTGCCAG[G>T]CATTCAGTGGCATCAACGTCCAGTACAAGCTGCATTCCTCTGGTGCCAACTGCAGCACGC-3'
Protein context (NP_066124.1, residues 422-442): IGKVCVENCQ[Ala432Ser]FSGINVQYKL

ClinVar aggregate classification (germline): Uncertain significance. Review status: criteria provided, multiple submitters, no conflicts (2 of 4 stars). 2 submissions from 2 submitters: Uncertain significance (2). Last evaluated 2025-08-23.

Conditions:
Hereditary cancer-predisposing syndrome. Also called: Hereditary neoplastic syndrome; Neoplastic Syndromes, Hereditary; Hereditary Cancer Syndrome; Tumor predisposition. Identifiers: Orphanet 140162, MedGen C0027672, MeSH D009386, MONDO:0015356.
Multiple endocrine neoplasia, type 2 (MEN2). Identifiers: Orphanet 653, MedGen C4048306, MONDO:0019003. Disease mechanism: gain of function.

Allele frequency attached by ClinVar (database versions not stated): ExAC 0.00001.

Submissions (2):

Ambry Genetics
Classification: Uncertain significance for Hereditary cancer-predisposing syndrome. Last evaluated: 2025-08-23. Review status: criteria provided, single submitter. Criteria: Ambry Variant Classification Scheme 2023. Collection method: clinical testing. Allele origin: germline.
Comment: The p.A432S variant (also known as c.1294G>T), located in coding exon 7 of the RET gene, results from a G to T substitution at nucleotide position 1294. The alanine at codon 432 is replaced by serine, an amino acid with similar properties. This amino acid position is conserved. In addition, this alteration is predicted to be tolerated by in silico analysis. Based on the available evidence, the clinical significance of this variant remains unclear.

Labcorp Genetics (formerly Invitae), Labcorp
Classification: Uncertain significance for Multiple endocrine neoplasia, type 2. Last evaluated: 2023-12-11. Review status: criteria provided, single submitter. Criteria: Invitae Variant Classification Sherloc (09022015). Collection method: clinical testing. Allele origin: germline.
Comment: This sequence change replaces alanine, which is neutral and non-polar, with serine, which is neutral and polar, at codon 432 of the RET protein (p.Ala432Ser). The frequency data for this variant in the population databases is considered unreliable, as metrics indicate poor data quality at this position in the gnomAD database. This variant has not been reported in the literature in individuals affected with RET-related conditions. An algorithm developed to predict the effect of missense changes on protein structure and function (PolyPhen-2) suggests that this variant is likely to be tolerated. In summary, the available evidence is currently insufficient to determine the role of this variant in disease. Therefore, it has been classified as a Variant of Uncertain Significance.